The following is an entry in ClinVar:

NM_004434.3(EML1):c.67+6G>C

Gene: EML1 (EMAP like 1; plus strand). Cytogenetic location: 14q32.2.
Variant type: single nucleotide variant.
Coding change: c.67+6G>C on transcript NM_004434.3 (MANE Select); 6 bases into the intron after coding-DNA position 67, G replaced by C.
Molecular consequence: intron variant.
Genome position (GRCh38, 1-based): chr14:99,793,549, G>C. VCF-style: chr14-99793549-G-C. GRCh37 (hg19) VCF-style: chr14-100259886-G-C.
Other names: c.28+55689G>C (NM_001375411.1); c.67+6G>C (NM_001008707.2, NM_001375412.1).
Identifiers: ClinVar variation 3356792 (VCV003356792.1).

ClinVar aggregate classification (germline): Likely benign (0 of 4 stars; one submission).

Conditions:
EML1-related disorder. Also called: EML1-related condition.

Submission:

PreventionGenetics, part of Exact Sciences
Classification: Likely benign for EML1-related condition. Last evaluated: 2024-06-04. Review status: no assertion criteria provided. Collection method: clinical testing. Allele origin: germline.
Comment: This variant is classified as likely benign based on ACMG/AMP sequence variant interpretation guidelines (Richards et al. 2015 PMID: 25741868, with internal and published modifications).